The following is an entry in ClinVar:

ClinVar aggregate classification (germline): Uncertain significance (1 of 4 stars; one submission).

Allele frequency attached by ClinVar (database versions not stated): gnomAD 0.00001; TOPMed 0.00004.
gnomAD v4.1: 7 of 1,602,356 alleles (0.00044%); highest among the groups gnomAD compares: African/African-American, 0.0054%; no homozygotes.

Submission:

Labcorp Genetics (formerly Invitae), Labcorp
Classification: Uncertain significance. Last evaluated: 2025-12-17. Review status: criteria provided, single submitter. Criteria: Invitae Variant Classification Sherloc (09022015). Collection method: clinical testing. Allele origin: germline.
Comment: This sequence change replaces arginine, which is basic and polar, with glutamine, which is neutral and polar, at codon 1077 of the ZNF687 protein (p.Arg1077Gln). This variant is present in population databases (no rsID available, gnomAD 0.007%). This variant has not been reported in the literature in individuals affected with ZNF687-related conditions. ClinVar contains an entry for this variant (Variation ID: 1906200). An algorithm developed to predict the effect of missense changes on protein structure and function (PolyPhen-2) suggests that this variant is likely to be disruptive. In summary, the available evidence is currently insufficient to determine the role of this variant in disease. Therefore, it has been classified as a Variant of Uncertain Significance.

NM_020832.3(ZNF687):c.3230G>A (p.Arg1077Gln)

Gene: ZNF687 (zinc finger protein 687; plus strand). Cytogenetic location: 1q21.3.
Variant type: single nucleotide variant.
Coding change: c.3230G>A on transcript NM_020832.3 (MANE Select); coding-DNA position 3230, G replaced by A.
Protein change: p.Arg1077Gln; replaces arginine 1077 with glutamine.
Molecular consequence: missense variant.
Genome position (GRCh38, 1-based): chr1:151,290,725, G>A. VCF-style: chr1-151290725-G-A. GRCh37 (hg19) VCF-style: chr1-151263201-G-A.
Other names: c.3230G>A, p.Arg1077Gln (NM_001304763.2, NM_001304764.2); short protein forms R1077Q.
Identifiers: ClinVar variation 1906200 (VCV001906200.5), dbSNP rs1340071626, ClinGen allele CA341961513.